The following is an entry in ClinVar:

NM_000136.3(FANCC):c.996+9dup

Genes: AOPEP (aminopeptidase O (putative); plus strand), FANCC (FA complementation group C; minus strand). Cytogenetic location: 9q22.32.
Variant type: Duplication.
Coding change: c.996+9dup on transcript NM_000136.3 (MANE Select); 9 bases into the intron after coding-DNA position 996, one base duplicated (T; older notation c.996+9dupT).
Molecular consequence: intron variant.
Genome position (GRCh38, 1-based): chr9:95,125,077, A duplicated on the plus strand (T on the coding strand, the reverse complement: FANCC is on the minus strand). VCF-style (leftmost placement, unchanged base first): chr9-95125076-T-TA. GRCh37 (hg19) VCF-style: chr9-97887358-T-TA.
Other names: c.996+9dup (NM_000136.2, NM_001243743.2, NM_001243744.2).
Identifiers: ClinVar variation 237078 (VCV000237078.11), dbSNP rs781108327, ClinGen allele CA10582667.

ClinVar aggregate classification (germline): Likely benign. Review status: criteria provided, multiple submitters, no conflicts (2 of 4 stars). 2 submissions from 2 submitters: Likely benign (2). Last evaluated 2025-11-03.

Conditions:
Fanconi anemia (FA). Also called: Fanconi's anemia. Identifiers: Orphanet 84, MedGen C0015625, MeSH D005199, MONDO:0019391.

Allele frequency attached by ClinVar (database versions not stated): gnomAD 0.00001; gnomAD exomes 0.00001; TOPMed 0.00002.

Submissions (2):

Labcorp Genetics (formerly Invitae), Labcorp
Classification: Likely benign for Fanconi anemia. Last evaluated: 2025-11-03. Review status: criteria provided, single submitter. Criteria: Invitae Variant Classification Sherloc (09022015). Collection method: clinical testing. Allele origin: germline.

GeneDx
Classification: Likely benign. Last evaluated: 2016-01-25. Review status: criteria provided, single submitter. Criteria: GeneDx Variant Classification (06012015). Collection method: clinical testing. Allele origin: germline. Affected: yes.
Comment: This variant is considered likely benign or benign based on one or more of the following criteria: it is a conservative change, it occurs at a poorly conserved position in the protein, it is predicted to be benign by multiple in silico algorithms, and/or has population frequency not consistent with disease.